The following is an entry in ClinVar:

ClinVar aggregate classification (germline): Uncertain significance. Review status: criteria provided, multiple submitters, no conflicts (2 of 4 stars). 2 submissions from 2 submitters: Uncertain significance (2). Last evaluated 2024-02-12.

Conditions:
Donnai-Barrow syndrome. Also called: DBS/FOAR SYNDROME; FACIOOCULOACOUSTICORENAL SYNDROME. Identifiers: Orphanet 2143, MedGen C1857277, MONDO:0009104, OMIM 222448.

Allele frequency attached by ClinVar (database versions not stated): 1000 Genomes Project 30x 0.00047; 1000 Genomes Project 0.00060.
gnomAD v4.1: 45 of 1,614,206 alleles (0.0028%); highest among the groups gnomAD compares: South Asian, 0.0099%; no homozygotes.

Submissions (2):

Fulgent Genetics
Classification: Uncertain significance for Donnai-Barrow syndrome. Last evaluated: 2024-02-12. Review status: criteria provided, single submitter. Criteria: ACMG Guidelines, 2015. Collection method: clinical testing. Allele origin: germline.

Labcorp Genetics (formerly Invitae), Labcorp
Classification: Uncertain significance. Last evaluated: 2021-09-01. Review status: criteria provided, single submitter. Criteria: Invitae Variant Classification Sherloc (09022015). Collection method: clinical testing. Allele origin: germline.
Comment: This sequence change replaces arginine with histidine at codon 2262 of the LRP2 protein (p.Arg2262His). The arginine residue is weakly conserved and there is a small physicochemical difference between arginine and histidine. This variant is present in population databases (rs201740125, ExAC 0.02%). This variant has not been reported in the literature in individuals affected with LRP2-related conditions. Advanced modeling of protein sequence and biophysical properties (such as structural, functional, and spatial information, amino acid conservation, physicochemical variation, residue mobility, and thermodynamic stability) performed at Invitae indicates that this missense variant is not expected to disrupt LRP2 protein function. In summary, the available evidence is currently insufficient to determine the role of this variant in disease. Therefore, it has been classified as a Variant of Uncertain Significance.

NM_004525.3(LRP2):c.6785G>A (p.Arg2262His)

Gene: LRP2 (LDL receptor related protein 2; minus strand). Cytogenetic location: 2q31.1.
Variant type: single nucleotide variant.
Coding change: c.6785G>A on transcript NM_004525.3 (MANE Select); coding-DNA position 6785, G replaced by A.
Protein change: p.Arg2262His; replaces arginine 2262 with histidine.
Molecular consequence: missense variant.
Genome position (GRCh38, 1-based): chr2:169,206,935, C>T on the plus strand (G>A on the coding strand, the complement: LRP2 is on the minus strand). VCF-style: chr2-169206935-C-T. GRCh37 (hg19) VCF-style: chr2-170063445-C-T.
Other names: short protein forms R2262H.
Identifiers: ClinVar variation 1410344 (VCV001410344.6), dbSNP rs201740125, ClinGen allele CA1954217.